The following is an entry in ClinVar:

NM_019040.5(ELP4):c.237C>T (p.Ala79=)

Gene: ELP4 (elongator acetyltransferase complex subunit 4; plus strand). Cytogenetic location: 11p13.
Variant type: single nucleotide variant.
Coding change: c.237C>T on transcript NM_019040.5 (MANE Select); coding-DNA position 237, C replaced by T.
Protein change: p.Ala79=; no amino-acid change (alanine 79 retained).
Molecular consequence: synonymous variant.
Genome position (GRCh38, 1-based): chr11:31,520,069, C>T. VCF-style: chr11-31520069-C-T. GRCh37 (hg19) VCF-style: chr11-31541616-C-T.
Other names: c.237C>T, p.Ala79= (NM_001288725.2, NM_001288726.2).
Identifiers: ClinVar variation 3039471 (VCV003039471.2), dbSNP rs373853950, ClinGen allele CA5933198.

ClinVar aggregate classification (germline): Likely benign (0 of 4 stars; one submission).

Conditions:
ELP4-related disorder. Also called: ELP4-related condition.

Allele frequency attached by ClinVar (database versions not stated): gnomAD 0.00001; ExAC 0.00002; gnomAD exomes 0.00002; TOPMed 0.00005; ESP Exome Variant Server 0.00008.
gnomAD v4.1: 26 of 1,612,430 alleles (0.0016%); highest among the groups gnomAD compares: Middle Eastern, 0.066%; no homozygotes.

Submission:

PreventionGenetics, part of Exact Sciences
Classification: Likely benign for ELP4-related condition. Last evaluated: 2019-05-22. Review status: no assertion criteria provided. Collection method: clinical testing. Allele origin: germline.
Comment: This variant is classified as likely benign based on ACMG/AMP sequence variant interpretation guidelines (Richards et al. 2015 PMID: 25741868, with internal and published modifications).